The following is an entry in ClinVar:

NM_002878.4(RAD51D):c.839C>T (p.Thr280Ile)

Genes: RAD51L3-RFFL (RAD51L3-RFFL readthrough; minus strand), RAD51D (RAD51 paralog D; minus strand). Cytogenetic location: 17q12.
Variant type: single nucleotide variant.
Coding change: c.839C>T on transcript NM_002878.4 (MANE Select); coding-DNA position 839, C replaced by T.
Protein change: p.Thr280Ile; replaces threonine 280 with isoleucine.
Molecular consequence: missense variant. On other transcripts: non-coding transcript variant (3).
Genome position (GRCh38, 1-based): chr17:35,101,265, G>A on the plus strand (C>T on the coding strand, the complement: RAD51D is on the minus strand). VCF-style: chr17-35101265-G-A. GRCh37 (hg19) VCF-style: chr17-33428284-G-A.
Other names: c.839C>T (NM_002878.3); c.899C>T, p.Thr300Ile (NM_001142571.2); c.503C>T, p.Thr168Ile (NM_133629.3); short protein forms T168I, T280I, T300I.
Identifiers: ClinVar variation 1006420 (VCV001006420.6), dbSNP rs548111162, ClinGen allele CA399086627.

ClinVar aggregate classification (germline): Uncertain significance. Review status: criteria provided, multiple submitters, no conflicts (2 of 4 stars). 2 submissions from 2 submitters: Uncertain significance (2). Last evaluated 2024-03-06.

Conditions:
Breast-ovarian cancer, familial, susceptibility to, 4. Identifiers: Orphanet 145, MedGen C3280345, MONDO:0013669, OMIM 614291.

Submissions (2):

Labcorp Genetics (formerly Invitae), Labcorp
Classification: Uncertain significance for Breast-ovarian cancer, familial, susceptibility to, 4. Last evaluated: 2024-03-06. Review status: criteria provided, single submitter. Criteria: Invitae Variant Classification Sherloc (09022015). Collection method: clinical testing. Allele origin: germline.
Comment: This sequence change replaces threonine, which is neutral and polar, with isoleucine, which is neutral and non-polar, at codon 280 of the RAD51D protein (p.Thr280Ile). This variant is not present in population databases (gnomAD no frequency). This variant has not been reported in the literature in individuals affected with RAD51D-related conditions. ClinVar contains an entry for this variant (Variation ID: 1006420). Advanced modeling of protein sequence and biophysical properties (such as structural, functional, and spatial information, amino acid conservation, physicochemical variation, residue mobility, and thermodynamic stability) performed at Invitae indicates that this missense variant is not expected to disrupt RAD51D protein function with a negative predictive value of 80%. In summary, the available evidence is currently insufficient to determine the role of this variant in disease. Therefore, it has been classified as a Variant of Uncertain Significance.

Quest Diagnostics Nichols Institute San Juan Capistrano
Classification: Uncertain significance. Last evaluated: 2023-12-07. Review status: criteria provided, single submitter. Criteria: Quest Diagnostics criteria. Collection method: clinical testing. Allele origin: unknown.
Comment: The RAD51D c.839C>T (p.Thr280Ile) variant has not been reported in individuals with RAD51D-related conditions in the published literature. It also has not been reported in large, multi-ethnic general populations (Genome Aggregation Database). Analysis of this variant using bioinformatics tools for the prediction of the effect of amino acid changes on protein structure and function yielded predictions that this variant is benign. Based on the available information, we are unable to determine the clinical significance of this variant.